The following is an entry in ClinVar:

NM_006206.6(PDGFRA):c.2563-8C>T

Gene: PDGFRA (platelet derived growth factor receptor alpha; plus strand). Cytogenetic location: 4q12.
Variant type: single nucleotide variant.
Coding change: c.2563-8C>T on transcript NM_006206.6 (MANE Select); 8 bases into the intron before coding-DNA position 2563, C replaced by T.
Molecular consequence: intron variant.
Genome position (GRCh38, 1-based): chr4:54,287,422, C>T. VCF-style: chr4-54287422-C-T. GRCh37 (hg19) VCF-style: chr4-55153589-C-T.
Other names: p.?; c.2563-8C>T (NM_006206.5, NM_001347829.2); c.2638-8C>T (NM_001347828.2); c.2602-8C>T (NM_001347830.2).
Identifiers: ClinVar variation 414496 (VCV000414496.25), dbSNP rs1060504247, ClinGen allele CA16611491.
Genomic context (GRCh38, chr4:54,287,422, plus strand): 5'-TCTATTTCCACTGCTGTGGATCATCAGTGAGTAGACATGGGTTTAACTGTCTCCCTCCTT[C>T]CTTGCAGACCTTTCTGCCCGTGAAGTGGATGGCTCCTGAGAGCATCTTTGACAACCTCTA-3'

ClinVar aggregate classification (germline): Benign/Likely benign. Review status: criteria provided, multiple submitters, no conflicts (2 of 4 stars). 5 submissions from 5 submitters: Benign (1); Likely benign (3). 1 of the submissions does not count toward it. Last evaluated 2026-06-15.

Conditions:
Gastrointestinal stromal tumor. Also called: Gastrointestinal stroma tumor; Gastrointestinal stromal tumor, somatic. Identifiers: Orphanet 44890, MedGen C0238198, MeSH D046152, MONDO:0011719, OMIM 606764, HP:0100723.
Polyps, multiple and recurrent inflammatory fibroid, gastrointestinal. Identifiers: MedGen C5193005, MONDO:0008285, OMIM 175510.
PDGFRA-related disorder. Also called: PDGFRA-related condition.

Allele frequency attached by ClinVar (database versions not stated): gnomAD exomes below 0.00001; TOPMed below 0.00001; gnomAD 0.00001.
gnomAD v4.1: 4 of 1,148,110 alleles (0.00035%); highest among the groups gnomAD compares: Non-Finnish European, 0.00053%; no homozygotes.

Submissions (5):

Myriad Genetics, Inc.
Classification: Likely benign for Polyps, multiple and recurrent inflammatory fibroid, gastrointestinal. Last evaluated: 2026-06-15. Review status: criteria provided, single submitter. Criteria: Myriad Autosomal Dominant, Autosomal Recessive and X-Linked Classification Criteria (2023). Collection method: clinical testing. Allele origin: unknown.
Comment: This variant is considered likely benign. This variant is intronic and is not expected to impact mRNA splicing.

Labcorp Genetics (formerly Invitae), Labcorp
Classification: Likely benign for Gastrointestinal stromal tumor. Last evaluated: 2025-12-24. Review status: criteria provided, single submitter. Criteria: Invitae Variant Classification Sherloc (09022015). Collection method: clinical testing. Allele origin: germline.

Mayo Clinic Laboratories, Mayo Clinic
Classification: Likely benign. Last evaluated: 2025-12-12. Review status: criteria provided, single submitter. Criteria: ACMG Guidelines, 2015. Collection method: clinical testing. Allele origin: germline. Observed: 1 variant allele.
Comment: BP4, BP7

Laboratory of Genetics, Children's Clinical University Hospital Latvia
Classification: Benign. Last evaluated: 2025-02-16. Review status: criteria provided, single submitter. Criteria: ACMG Guidelines, 2015. Collection method: clinical testing. Allele origin: germline. Affected: yes.

PreventionGenetics, part of Exact Sciences
Classification: Likely benign for PDGFRA-related condition. Last evaluated: 2019-04-29. Review status: no assertion criteria provided. Collection method: clinical testing. Allele origin: germline. Not counted in ClinVar's aggregate classification.
Comment: This variant is classified as likely benign based on ACMG/AMP sequence variant interpretation guidelines (Richards et al. 2015 PMID: 25741868, with internal and published modifications).